The following is an entry in ClinVar:

ClinVar aggregate classification (germline): Likely pathogenic (1 of 4 stars; one submission).

Conditions:
Hypertrophic cardiomyopathy 26. Also called: Cardiomyopathy, familial hypertrophic, 26. Identifiers: Orphanet 75249, MedGen C4310749, MONDO:0014883, OMIM 617047.
Myofibrillar myopathy 5. Also called: Filaminopathy (type); FILAMINOPATHY, AUTOSOMAL DOMINANT. Identifiers: Orphanet 171445, MedGen C1836050, MONDO:0012289, OMIM 609524.
Distal myopathy with posterior leg and anterior hand involvement. Also called: WILLIAMS DISTAL MYOPATHY. Identifiers: Orphanet 63273, MedGen C3279722, MONDO:0013550, OMIM 614065.

Submission:

Labcorp Genetics (formerly Invitae), Labcorp
Classification: Likely pathogenic for Distal myopathy with posterior leg and anterior hand involvement; Myofibrillar myopathy 5; Hypertrophic cardiomyopathy 26. Last evaluated: 2025-09-11. Review status: criteria provided, single submitter. Criteria: Invitae Variant Classification Sherloc (09022015). Collection method: clinical testing. Allele origin: germline.
Comment: This sequence change affects a donor splice site in intron 37 of the FLNC gene. It is expected to disrupt RNA splicing. Variants that disrupt the donor or acceptor splice site typically lead to a loss of protein function (PMID: 16199547), and loss-of-function variants in FLNC are known to be pathogenic (PMID: 27908349). This variant is not present in population databases (gnomAD no frequency). This variant has not been reported in the literature in individuals affected with FLNC-related conditions. Algorithms developed to predict the effect of sequence changes on RNA splicing suggest that this variant may disrupt the consensus splice site. In summary, the currently available evidence indicates that the variant is pathogenic, but additional data are needed to prove that conclusively. Therefore, this variant has been classified as Likely Pathogenic.

Literature cited by the submitters: PubMed 16199547; PubMed 27908349.

NM_001458.5(FLNC):c.6208+2T>C

Genes: FLNC-AS1 (FLNC antisense RNA 1; minus strand), FLNC (filamin C; plus strand). Cytogenetic location: 7q32.1.
Variant type: single nucleotide variant.
Coding change: c.6208+2T>C on transcript NM_001458.5 (MANE Select); the canonical splice donor site of the intron after coding-DNA position 6208, T replaced by C.
Molecular consequence: splice donor variant.
Genome position (GRCh38, 1-based): chr7:128,853,033, T>C. VCF-style: chr7-128853033-T-C. GRCh37 (hg19) VCF-style: chr7-128493087-T-C.
Other names: c.6109+2T>C (NM_001127487.2).
Identifiers: ClinVar variation 4812493 (VCV004812493.1).